The following is an entry in ClinVar:

ClinVar aggregate classification (germline): Conflicting classifications of pathogenicity. Review status: criteria provided, conflicting classifications (1 of 4 stars). 8 submissions from 7 submitters: Uncertain significance (1); Benign (7). Last evaluated 2026-02-01.

Conditions:
Autosomal recessive nonsyndromic hearing loss 21. Identifiers: Orphanet 90636, MedGen C1863655, MONDO:0011351, OMIM 603629.
Autosomal dominant nonsyndromic hearing loss 12. Also called: DEAFNESS, AUTOSOMAL DOMINANT 8. Identifiers: Orphanet 90635, MedGen C1832187, MONDO:0011102, OMIM 601543.

Allele frequency attached by ClinVar (database versions not stated): 1000 Genomes Project 30x 0.01156; 1000 Genomes Project 0.01158; ExAC 0.02076; TOPMed 0.02110; gnomAD exomes 0.02137 and 0.03019; gnomAD 0.02261; ESP Exome Variant Server 0.02415.
gnomAD v4.1: 47,243 of 1,613,760 alleles (2.9%); highest among the groups gnomAD compares: Non-Finnish European, 3.5%; 852 homozygotes.

Submissions (8):

Labcorp Genetics (formerly Invitae), Labcorp
Classification: Benign. Last evaluated: 2026-02-01. Review status: criteria provided, single submitter. Criteria: Invitae Variant Classification Sherloc (09022015). Collection method: clinical testing. Allele origin: germline.

Mayo Clinic Laboratories, Mayo Clinic
Classification: Benign. Last evaluated: 2022-05-09. Review status: criteria provided, single submitter. Criteria: ACMG Guidelines, 2015. Collection method: clinical testing. Allele origin: germline. Observed: 13 variant alleles.

Athena Diagnostics
Classification: Benign. Last evaluated: 2018-11-26. Review status: criteria provided, single submitter. Criteria: Athena Diagnostics Criteria. Collection method: clinical testing. Allele origin: germline.

Illumina Laboratory Services, Illumina
Classification: Uncertain significance for Autosomal recessive nonsyndromic hearing loss 21. Last evaluated: 2018-01-13. Review status: criteria provided, single submitter. Criteria: ICSL Variant Classification Criteria 13 December 2019. Collection method: clinical testing. Allele origin: germline.

Illumina Laboratory Services, Illumina
Classification: Benign for Autosomal dominant nonsyndromic hearing loss 12. Last evaluated: 2018-01-13. Review status: criteria provided, single submitter. Criteria: ICSL Variant Classification Criteria 13 December 2019. Collection method: clinical testing. Allele origin: germline.
Comment: This variant was observed in the ICSL laboratory as part of a predisposition screen in an ostensibly healthy population. It had not been previously curated by ICSL or reported in the Human Gene Mutation Database (HGMD: prior to June 1st, 2018), and was therefore a candidate for classification through an automated scoring system. Utilizing variant allele frequency, disease prevalence and penetrance estimates, and inheritance mode, an automated score was calculated to assess if this variant is too frequent to cause the disease. Based on the score and internal cut-off values, a variant classified as benign is not then subjected to further curation. The score for this variant resulted in a classification of benign for this disease.

GeneDx
Classification: Benign. Last evaluated: 2017-11-03. Review status: criteria provided, single submitter. Criteria: GeneDx Variant Classification (06012015). Collection method: clinical testing. Allele origin: germline. Affected: yes.
Comment: This variant is considered likely benign or benign based on one or more of the following criteria: it is a conservative change, it occurs at a poorly conserved position in the protein, it is predicted to be benign by multiple in silico algorithms, and/or has population frequency not consistent with disease.

Laboratory for Molecular Medicine, Mass General Brigham Personalized Medicine
Classification: Benign. Last evaluated: 2012-05-07. Review status: criteria provided, single submitter. Criteria: LMM Criteria. Collection method: clinical testing. Allele origin: germline. Observed: 78 variant alleles.
Comment: "Asn1474Asn in Exon 13 of TECTA: This variant is not expected to have clinical s ignificance because it does not alter an amino acid residue, is not located with in the splice consensus sequence, and has been identified in 3.4% (240/7018) of European American chromosomes from a broad population by the NHLBI Exome Sequenc ing Project (dbSNP rs33981325)."

PreventionGenetics, part of Exact Sciences
Classification: Benign. Review status: criteria provided, single submitter. Criteria: ACMG Guidelines, 2015. Collection method: clinical testing. Allele origin: germline.

Literature cited by the submitters: PubMed 17661817 (cited by Athena Diagnostics).

NM_005422.4(TECTA):c.4422C>T (p.Asn1474=)

Genes: TBCEL-TECTA (TBCEL-TECTA readthrough; plus strand), TECTA (tectorin alpha; plus strand). Cytogenetic location: 11q23.3.
Variant type: single nucleotide variant.
Coding change: c.4422C>T on transcript NM_005422.4 (MANE Select); coding-DNA position 4422, C replaced by T.
Protein change: p.Asn1474=; no amino-acid change (asparagine 1474 retained).
Molecular consequence: synonymous variant.
Genome position (GRCh38, 1-based): chr11:121,157,957, C>T. VCF-style: chr11-121157957-C-T. GRCh37 (hg19) VCF-style: chr11-121028666-C-T.
Other names: p.Asn1474=; c.5379C>T, p.Asn1793= (NM_001378761.1).
Identifiers: ClinVar variation 45331 (VCV000045331.19), dbSNP rs33981325, ClinGen allele CA136051.